The following is an entry in ClinVar:

NM_000018.4(ACADVL):c.1569A>G (p.Gly523=)

Gene: ACADVL (acyl-CoA dehydrogenase very long chain; plus strand). Cytogenetic location: 17p13.1.
Variant type: single nucleotide variant.
Coding change: c.1569A>G on transcript NM_000018.4 (MANE Select); coding-DNA position 1569, A replaced by G.
Protein change: p.Gly523=; no amino-acid change (glycine 523 retained).
Molecular consequence: synonymous variant.
Genome position (GRCh38, 1-based): chr17:7,224,357, A>G. VCF-style: chr17-7224357-A-G. GRCh37 (hg19) VCF-style: chr17-7127676-A-G.
Other names: c.1638A>G, p.Gly546= (NM_001270447.2); c.1341A>G, p.Gly447= (NM_001270448.2); c.1503A>G, p.Gly501= (NM_001033859.3).
Identifiers: ClinVar variation 388745 (VCV000388745.9), dbSNP rs779048354, ClinGen allele CA8338156.

ClinVar aggregate classification (germline): Likely benign. Review status: criteria provided, multiple submitters, no conflicts (2 of 4 stars). 2 submissions from 2 submitters: Likely benign (2). Last evaluated 2025-01-12.

Conditions:
Very long chain acyl-CoA dehydrogenase deficiency (ACADVLD). Also called: Very Long-Chain Acyl-Coenzyme A Dehydrogenase Deficiency; VLCAD Deficiency. Identifiers: Orphanet 26793, MedGen C3887523, MONDO:0008723, OMIM 201475.

Allele frequency attached by ClinVar (database versions not stated): gnomAD exomes below 0.00001 and 0.00001; ExAC 0.00001.
gnomAD v4.1: 3 of 1,613,734 alleles (0.00019%); highest among the groups gnomAD compares: East Asian, 0.0067%; no homozygotes.

Submissions (2):

Labcorp Genetics (formerly Invitae), Labcorp
Classification: Likely benign for Very long chain acyl-CoA dehydrogenase deficiency. Last evaluated: 2025-01-12. Review status: criteria provided, single submitter. Criteria: Invitae Variant Classification Sherloc (09022015). Collection method: clinical testing. Allele origin: germline.

GeneDx
Classification: Likely benign. Last evaluated: 2016-10-20. Review status: criteria provided, single submitter. Criteria: GeneDx Variant Classification (06012015). Collection method: clinical testing. Allele origin: germline. Affected: yes.
Comment: This variant is considered likely benign or benign based on one or more of the following criteria: it is a conservative change, it occurs at a poorly conserved position in the protein, it is predicted to be benign by multiple in silico algorithms, and/or has population frequency not consistent with disease.